The following is an entry in ClinVar:

ClinVar aggregate classification (germline): Uncertain significance (1 of 4 stars; one submission).

Conditions:
Catecholaminergic polymorphic ventricular tachycardia 1. Also called: VENTRICULAR TACHYCARDIA, STRESS-INDUCED POLYMORPHIC 1; VENTRICULAR TACHYCARDIA, CATECHOLAMINERGIC POLYMORPHIC, 1, WITH OR WITHOUT ATRIAL DYSFUNCTION AND/OR DILATED CARDIOMYOPATHY; RYR2-Related Catecholaminergic Polymorphic Ventricular Tachycardia. Identifiers: Orphanet 3286, MedGen C1631597, MONDO:0011484, OMIM 604772.

Submission:

Labcorp Genetics (formerly Invitae), Labcorp
Classification: Uncertain significance for Catecholaminergic polymorphic ventricular tachycardia 1. Last evaluated: 2024-11-27. Review status: criteria provided, single submitter. Criteria: Invitae Variant Classification Sherloc (09022015). Collection method: clinical testing. Allele origin: germline.
Comment: This variant, c.13022_13036del, results in the deletion of 5 amino acid(s) of the RYR2 protein (p.Glu4341_Asp4345del), but otherwise preserves the integrity of the reading frame. This variant is not present in population databases (gnomAD no frequency). This variant has not been reported in the literature in individuals affected with RYR2-related conditions. Experimental studies and prediction algorithms are not available or were not evaluated, and the functional significance of this variant is currently unknown. In summary, the available evidence is currently insufficient to determine the role of this variant in disease. Therefore, it has been classified as a Variant of Uncertain Significance.

NM_001035.3(RYR2):c.13022_13036del (p.Glu4341_Asp4345del)

Genes: RYR2 (ryanodine receptor 2; plus strand), LOC126806068 (BRD4-independent group 4 enhancer GRCh37_chr1:237947411-237948610; plus strand). Cytogenetic location: 1q43.
Variant type: Deletion.
Coding change: c.13022_13036del on transcript NM_001035.3 (MANE Select); coding-DNA positions 13022 to 13036, 15 bases deleted (AGGTTAGAGGAGATG).
Protein change: p.Glu4341_Asp4345del.
Genome position (GRCh38, 1-based): chr1:237,784,734-237,784,748, AGGTTAGAGGAGATG deleted; deleting any 15 consecutive bases within chr1:237,784,730-237,784,748 gives the same sequence; the c. name uses the placement nearest the transcript's 3' end. VCF-style (leftmost placement, unchanged base first): chr1-237784729-GGATGAGGTTAGAGGA-G. GRCh37 (hg19) VCF-style: chr1-237948029-GGATGAGGTTAGAGGA-G.
Identifiers: ClinVar variation 3711771 (VCV003711771.2).